The following is an entry in ClinVar:

ClinVar aggregate classification (germline): Uncertain significance (1 of 4 stars; one submission).

Conditions:
Pitt-Hopkins-like syndrome 2 (PTHSL2). Identifiers: Orphanet 221150, Orphanet 600663, MedGen C3280479, MONDO:0013690, OMIM 614325.

Allele frequency attached by ClinVar (database versions not stated): gnomAD exomes below 0.00001; ExAC 0.00004.

Submission:

Labcorp Genetics (formerly Invitae), Labcorp
Classification: Uncertain significance for Pitt-Hopkins-like syndrome 2. Last evaluated: 2025-04-16. Review status: criteria provided, single submitter. Criteria: Invitae Variant Classification Sherloc (09022015). Collection method: clinical testing. Allele origin: germline.
Comment: This sequence change replaces glycine, which is neutral and non-polar, with serine, which is neutral and polar, at codon 38 of the NRXN1 protein (p.Gly38Ser). The frequency data for this variant in the population databases is considered unreliable, as metrics indicate poor data quality at this position in the gnomAD database. This variant has not been reported in the literature in individuals affected with NRXN1-related conditions. ClinVar contains an entry for this variant (Variation ID: 2110595). An algorithm developed to predict the effect of missense changes on protein structure and function (PolyPhen-2) suggests that this variant is likely to be tolerated. In summary, the available evidence is currently insufficient to determine the role of this variant in disease. Therefore, it has been classified as a Variant of Uncertain Significance.

NM_001330078.2(NRXN1):c.112G>A (p.Gly38Ser)

Gene: NRXN1 (neurexin 1; minus strand). Cytogenetic location: 2p16.3.
Variant type: single nucleotide variant.
Coding change: c.112G>A on transcript NM_001330078.2 (MANE Select); coding-DNA position 112, G replaced by A.
Protein change: p.Gly38Ser; replaces glycine 38 with serine.
Molecular consequence: missense variant.
Genome position (GRCh38, 1-based): chr2:51,028,162, C>T on the plus strand (G>A on the coding strand, the complement: NRXN1 is on the minus strand). VCF-style: chr2-51028162-C-T. GRCh37 (hg19) VCF-style: chr2-51255300-C-T.
Other names: c.112G>A, p.Gly38Ser (NM_001135659.3, NM_001330077.2, NM_001330079.2 and 15 more transcripts); short protein forms G38S.
Identifiers: ClinVar variation 2110595 (VCV002110595.4), dbSNP rs759779535, ClinGen allele CA1655558.